The following is an entry in ClinVar:

NM_000268.4(NF2):c.61A>G (p.Thr21Ala)

Gene: NF2 (NF2, moesin-ezrin-radixin like (MERLIN) tumor suppressor; plus strand). Cytogenetic location: 22q12.2.
Variant type: single nucleotide variant.
Coding change: c.61A>G on transcript NM_000268.4 (MANE Select); coding-DNA position 61, A replaced by G.
Protein change: p.Thr21Ala; replaces threonine 21 with alanine.
Molecular consequence: missense variant. On other transcripts: non-coding transcript variant (1).
Genome position (GRCh38, 1-based): chr22:29,604,059, A>G. VCF-style: chr22-29604059-A-G. GRCh37 (hg19) VCF-style: chr22-30000048-A-G.
Other names: c.-170A>G (NM_001407053.1, NM_001407056.1); c.61A>G, p.Thr21Ala (NM_001407054.1, NM_001407055.1, NM_001407057.1 and 15 more transcripts); c.-580A>G (NM_001407065.1); c.-196A>G (NM_001407067.1); short protein forms T21A.
Identifiers: ClinVar variation 2061005 (VCV002061005.7), dbSNP rs2518226855, ClinGen allele CA411146017.

ClinVar aggregate classification (germline): Uncertain significance. Review status: criteria provided, multiple submitters, no conflicts (2 of 4 stars). 3 submissions from 3 submitters: Uncertain significance (3). Last evaluated 2025-02-02.

Conditions:
Neurofibromatosis, type 2 (SWNV). Also called: NF2-Related Schwannomatosis; BILATERAL ACOUSTIC NEUROFIBROMATOSIS; SCHWANNOMATOSIS, VESTIBULAR. Identifiers: Orphanet 637, MedGen C0027832, MONDO:0007039, OMIM 101000. Disease mechanism: loss of function.
Hereditary cancer-predisposing syndrome. Also called: Neoplastic Syndromes, Hereditary; Tumor predisposition; Hereditary Cancer Syndrome; Hereditary neoplastic syndrome. Identifiers: Orphanet 140162, MedGen C0027672, MeSH D009386, MONDO:0015356.

Submissions (3):

Labcorp Genetics (formerly Invitae), Labcorp
Classification: Uncertain significance for Neurofibromatosis, type 2. Last evaluated: 2025-02-02. Review status: criteria provided, single submitter. Criteria: Invitae Variant Classification Sherloc (09022015). Collection method: clinical testing. Allele origin: germline.
Comment: This sequence change replaces threonine, which is neutral and polar, with alanine, which is neutral and non-polar, at codon 21 of the NF2 protein (p.Thr21Ala). This variant is not present in population databases (gnomAD no frequency). This variant has not been reported in the literature in individuals affected with NF2-related conditions. ClinVar contains an entry for this variant (Variation ID: 2061005). Invitae Evidence Modeling of protein sequence and biophysical properties (such as structural, functional, and spatial information, amino acid conservation, physicochemical variation, residue mobility, and thermodynamic stability) indicates that this missense variant is not expected to disrupt NF2 protein function with a negative predictive value of 80%. In summary, the available evidence is currently insufficient to determine the role of this variant in disease. Therefore, it has been classified as a Variant of Uncertain Significance.

All of Us Research Program, National Institutes of Health
Classification: Uncertain significance for Neurofibromatosis, type 2. Last evaluated: 2024-09-23. Review status: criteria provided, single submitter. Criteria: ACMG Guidelines, 2015. Collection method: clinical testing. Allele origin: germline. Inheritance: Autosomal dominant inheritance. Observed: 1 variant allele, 1 heterozygote.
Comment: This study involves interpretation of variants in research participants for the purpose of population health screening. Participant phenotype was not available at the time of variant classification. Additional details can be found in publication PMID: 35346344, PMCID: PMC8962531

Ambry Genetics
Classification: Uncertain significance for Hereditary cancer-predisposing syndrome. Last evaluated: 2023-07-05. Review status: criteria provided, single submitter. Criteria: Ambry Variant Classification Scheme 2023. Collection method: clinical testing. Allele origin: germline.
Comment: The p.T21A variant (also known as c.61A>G), located in coding exon 1 of the NF2 gene, results from an A to G substitution at nucleotide position 61. The threonine at codon 21 is replaced by alanine, an amino acid with similar properties. This amino acid position is highly conserved in available vertebrate species. In addition, the in silico prediction for this alteration is inconclusive. Since supporting evidence is limited at this time, the clinical significance of this alteration remains unclear.